The following is an entry in ClinVar:

ClinVar aggregate classification (germline): Conflicting classifications of pathogenicity. Review status: criteria provided, conflicting classifications (1 of 4 stars). 7 submissions from 7 submitters: Uncertain significance (6); Likely benign (1). Last evaluated 2024-11-21.

Conditions:
Cardiovascular phenotype. Identifiers: MedGen CN230736.
Myopathy, myofibrillar, 9, with early respiratory failure (MFM9). Also called: Hereditary myopathy with early respiratory failure; EDSTROM MYOPATHY; MYOPATHY, PROXIMAL, WITH EARLY RESPIRATORY MUSCLE INVOLVEMENT; Myopathy, distal, with early respiratory failure, autosomal dominant. Identifiers: Orphanet 178464, Orphanet 34521, MedGen C1863599, MONDO:0011362, OMIM 603689.
Hypertrophic cardiomyopathy 9. Also called: Familial hypertrophic cardiomyopathy 9. Identifiers: MedGen C1861065, MONDO:0013412, OMIM 613765.
Early-onset myopathy with fatal cardiomyopathy (CMYO5). Also called: CONGENITAL MYOPATHY 5 WITH CARDIOMYOPATHY; Salih Myopathy. Identifiers: Orphanet 289377, MedGen C2673677, MONDO:0012714, OMIM 611705. Disease mechanism: loss of function.
Tibial muscular dystrophy (TMD). Also called: Tibial muscular dystrophy, tardive; UDD MYOPATHY; Udd Distal Myopathy – Tibial Muscular Dystrophy. Identifiers: Orphanet 609, MedGen C1838244, MONDO:0010870, OMIM 600334.
Autosomal recessive limb-girdle muscular dystrophy type 2J (LGMDR10). Also called: MUSCULAR DYSTROPHY, LIMB-GIRDLE, AUTOSOMAL RECESSIVE 10; Limb-girdle muscular dystrophy, type 2J. Identifiers: Orphanet 140922, MedGen C1837342, MONDO:0012127, OMIM 608807.
Dilated cardiomyopathy 1G (CMD1G). Identifiers: Orphanet 154, MedGen C1858763, MONDO:0011400, OMIM 604145.

Allele frequency attached by ClinVar (database versions not stated): ExAC 0.00003; gnomAD exomes 0.00004; gnomAD 0.00005 and 0.00006; TOPMed 0.00006.
gnomAD v4.1: 195 of 1,614,048 alleles (0.012%); highest among the groups gnomAD compares: Non-Finnish European, 0.016%; no homozygotes.

Submissions (7):

Blueprint Genetics
Classification: Likely benign. Last evaluated: 2024-11-21. Review status: criteria provided, single submitter. Criteria: ACMG Guidelines, 2015. Collection method: clinical testing. Allele origin: germline.

Mayo Clinic Laboratories, Mayo Clinic
Classification: Uncertain significance. Last evaluated: 2023-08-25. Review status: criteria provided, single submitter. Criteria: ACMG Guidelines, 2015. Collection method: clinical testing. Allele origin: germline. Observed: 1 variant allele.

Fulgent Genetics
Classification: Uncertain significance for Tibial muscular dystrophy; Myopathy, myofibrillar, 9, with early respiratory failure; Dilated cardiomyopathy 1G; Autosomal recessive limb-girdle muscular dystrophy type 2J; Early-onset myopathy with fatal cardiomyopathy; Hypertrophic cardiomyopathy 9. Last evaluated: 2021-10-04. Review status: criteria provided, single submitter. Criteria: ACMG Guidelines, 2015. Collection method: clinical testing. Allele origin: unknown.

Ambry Genetics
Classification: Uncertain significance for Cardiovascular phenotype. Last evaluated: 2020-01-15. Review status: criteria provided, single submitter. Criteria: Ambry Variant Classification Scheme 2023. Collection method: clinical testing. Allele origin: germline.
Comment: The p.V1843F variant (also known as c.5527G>T), located in coding exon 26 of the TTN gene, results from a G to T substitution at nucleotide position 5527. The valine at codon 1843 is replaced by phenylalanine, an amino acid with highly similar properties. This alteration has been reported as a secondary cardiac variant in an exome cohort (Ng D et al. Circ Cardiovasc Genet, 2013 Aug;6:337-46). This amino acid position is not well conserved in available vertebrate species. In addition, the in silico prediction for this alteration is inconclusive. Since supporting evidence is limited at this time, the clinical significance of this alteration remains unclear.

Revvity Omics, Revvity
Classification: Uncertain significance. Last evaluated: 2019-07-31. Review status: criteria provided, single submitter. Criteria: ACMG Guidelines, 2015. Collection method: clinical testing. Allele origin: germline.

GeneDx
Classification: Uncertain significance. Last evaluated: 2014-03-20. Review status: criteria provided, single submitter. Criteria: GeneDx Variant Classification (06012015). Collection method: clinical testing. Allele origin: germline. Affected: yes.
Comment: Missense variants in the TTN gene are considered 'unclassified' if they are not previously reported in the literature and do not have >1% frequency in the population to be considered a polymorphism. Research indicates that truncating mutations in the TTN gene are expected to account for approximately 25% of familial and 18% of sporadic idiopathic DCM; however, truncating variants in the TTN gene have been reported in approximately 3% of reported control alleles. There has been little investigation into non-truncating variants. (Herman D et al. Truncations of titin causing dilated cardiomyopathy. N Eng J Med 366:619-628, 2012) The variant is found in CARDIOMYOPATHY panel(s).

Biesecker Lab/Clinical Genomics Section, National Institutes of Health
Classification: Uncertain significance. Last evaluated: 2013-06-24. Review status: criteria provided, single submitter. Criteria: Ng et al. (Circ Cardiovasc Genet. 2013). Collection method: research. Allele origin: unknown. Observed: 1 variant allele. Study: ClinSeq.
Comment: The study set was not selected for affection status in relation to any cancer. Pathogenicity categories were based on literature curation. See Pubmed ID:23861362 for details.

Medical sequencing

Literature cited by the submitters: PubMed 23861362 (cited by Mayo Clinic Laboratories, Mayo Clinic and Ambry Genetics).

NM_001267550.2(TTN):c.5665G>T (p.Val1889Phe)

Gene: TTN (titin; minus strand). Cytogenetic location: 2q31.2.
Variant type: single nucleotide variant.
Coding change: c.5665G>T on transcript NM_001267550.2 (MANE Select); coding-DNA position 5665, G replaced by T.
Protein change: p.Val1889Phe; replaces valine 1889 with phenylalanine.
Molecular consequence: missense variant.
Genome position (GRCh38, 1-based): chr2:178,776,199, C>A on the plus strand (G>T on the coding strand, the complement: TTN is on the minus strand). VCF-style: chr2-178776199-C-A. GRCh37 (hg19) VCF-style: chr2-179640926-C-A.
Other names: p.V1889F:GTT>TTT; p.Val1889Phe; c.5527G>T, p.Val1843Phe (NM_003319.4, NM_133432.3, NM_133437.4); c.5665G>T, p.Val1889Phe (NM_133379.5, NM_001256850.1, NM_133378.4); short protein forms V1889F, V1843F.
Identifiers: ClinVar variation 192080 (VCV000192080.9), dbSNP rs141105443, ClinGen allele CA302555.